The following is an entry in ClinVar:

NM_001042492.3(NF1):c.2216T>C (p.Met739Thr)

Gene: NF1 (neurofibromin 1; plus strand). Cytogenetic location: 17q11.2.
Variant type: single nucleotide variant.
Coding change: c.2216T>C on transcript NM_001042492.3 (MANE Select); coding-DNA position 2216, T replaced by C.
Protein change: p.Met739Thr; replaces methionine 739 with threonine.
Molecular consequence: missense variant.
Genome position (GRCh38, 1-based): chr17:31,226,649, T>C. VCF-style: chr17-31226649-T-C. GRCh37 (hg19) VCF-style: chr17-29553667-T-C.
Other names: c.2216T>C, p.Met739Thr (NM_000267.4); short protein forms M739T.
Identifiers: ClinVar variation 4800729 (VCV004800729.1).

ClinVar aggregate classification (germline): Uncertain significance (1 of 4 stars; one submission).

Conditions:
Neurofibromatosis, type 1 (NF1). Also called: VON RECKLINGHAUSEN DISEASE; Neurofibromatosis, type I; NEUROFIBROMATOSIS, TYPE I, SOMATIC; Peripheral type neurofibromatosis. Identifiers: Orphanet 636, MedGen C0027831, MONDO:0018975, OMIM 162200. Disease mechanism: loss of function.

gnomAD v4.1: 1 of 1,613,722 alleles (0.000062%); highest among the groups gnomAD compares: Non-Finnish European, 0.000085%; no homozygotes.

Submission:

Labcorp Genetics (formerly Invitae), Labcorp
Classification: Uncertain significance for Neurofibromatosis, type 1. Last evaluated: 2026-01-19. Review status: criteria provided, single submitter. Criteria: Invitae Variant Classification Sherloc (09022015). Collection method: clinical testing. Allele origin: germline.
Comment: This sequence change replaces methionine, which is neutral and non-polar, with threonine, which is neutral and polar, at codon 739 of the NF1 protein (p.Met739Thr). This variant is present in population databases (no rsID available, gnomAD 0.007%). This variant has not been reported in the literature in individuals affected with NF1-related conditions. Invitae Evidence Modeling of protein sequence and biophysical properties (such as structural, functional, and spatial information, amino acid conservation, physicochemical variation, residue mobility, and thermodynamic stability) indicates that this missense variant is not expected to disrupt NF1 protein function with a negative predictive value of 95%. In summary, the available evidence is currently insufficient to determine the role of this variant in disease. Therefore, it has been classified as a Variant of Uncertain Significance.